The following is an entry in ClinVar:

NM_000051.4(ATM):c.-31+6G>T

Gene: ATM (ATM serine/threonine kinase; plus strand). Cytogenetic location: 11q22.3.
Variant type: single nucleotide variant.
Coding change: c.-31+6G>T on transcript NM_000051.4 (MANE Select); 6 bases into the intron after 31 bases upstream of the start codon, G replaced by T.
Molecular consequence: intron variant.
Genome position (GRCh38, 1-based): chr11:108,223,192, G>T. VCF-style: chr11-108223192-G-T. GRCh37 (hg19) VCF-style: chr11-108093919-G-T.
Other names: c.-119+6G>T (NM_001351834.2); c.-31+6G>T (NM_001351835.2).
Identifiers: ClinVar variation 507788 (VCV000507788.1), dbSNP rs1555051184, ClinGen allele CA658797770.

ClinVar aggregate classification (germline): Likely benign (1 of 4 stars; one submission).

Submission:

GeneDx
Classification: Likely benign. Last evaluated: 2017-02-24. Review status: criteria provided, single submitter. Criteria: GeneDx Variant Classification (06012015). Collection method: clinical testing. Allele origin: germline. Affected: yes.
Comment: This variant is considered likely benign or benign based on one or more of the following criteria: it is a conservative change, it occurs at a poorly conserved position in the protein, it is predicted to be benign by multiple in silico algorithms, and/or has population frequency not consistent with disease.